The following is an entry in ClinVar:

NM_005732.4(RAD50):c.7C>T (p.Arg3Trp)

Gene: RAD50 (RAD50 double strand break repair protein; plus strand). Cytogenetic location: 5q31.1.
Variant type: single nucleotide variant.
Coding change: c.7C>T on transcript NM_005732.4 (MANE Select); coding-DNA position 7, C replaced by T.
Protein change: p.Arg3Trp; replaces arginine 3 with tryptophan.
Molecular consequence: missense variant.
Genome position (GRCh38, 1-based): chr5:132,557,331, C>T. VCF-style: chr5-132557331-C-T. GRCh37 (hg19) VCF-style: chr5-131893023-C-T.
Other names: short protein forms R3W.
Identifiers: ClinVar variation 1411080 (VCV001411080.8), dbSNP rs2149830050, ClinGen allele CA360950693.

ClinVar aggregate classification (germline): Uncertain significance (1 of 4 stars; one submission).

Conditions:
Hereditary cancer-predisposing syndrome. Also called: Hereditary Cancer Syndrome; Tumor predisposition; Hereditary neoplastic syndrome; Neoplastic Syndromes, Hereditary. Identifiers: Orphanet 140162, MedGen C0027672, MeSH D009386, MONDO:0015356.

Submission:

Labcorp Genetics (formerly Invitae), Labcorp
Classification: Uncertain significance for Hereditary cancer-predisposing syndrome. Last evaluated: 2023-12-10. Review status: criteria provided, single submitter. Criteria: Invitae Variant Classification Sherloc (09022015). Collection method: clinical testing. Allele origin: germline.
Comment: This sequence change replaces arginine, which is basic and polar, with tryptophan, which is neutral and slightly polar, at codon 3 of the RAD50 protein (p.Arg3Trp). This variant is not present in population databases (gnomAD no frequency). This variant has not been reported in the literature in individuals affected with RAD50-related conditions. ClinVar contains an entry for this variant (Variation ID: 1411080). Advanced modeling of protein sequence and biophysical properties (such as structural, functional, and spatial information, amino acid conservation, physicochemical variation, residue mobility, and thermodynamic stability) performed at Invitae indicates that this missense variant is not expected to disrupt RAD50 protein function with a negative predictive value of 80%. In summary, the available evidence is currently insufficient to determine the role of this variant in disease. Therefore, it has been classified as a Variant of Uncertain Significance.